The following is an entry in ClinVar:

ClinVar aggregate classification (germline): Uncertain significance (0 of 4 stars; one submission).

Conditions:
CFAP418-related disorder. Also called: CFAP418-related condition.

gnomAD v4.1: 10 of 1,598,668 alleles (0.00063%); highest among the groups gnomAD compares: Non-Finnish European, 0.00086%; no homozygotes.

Submission:

PreventionGenetics, part of Exact Sciences
Classification: Uncertain significance for CFAP418-related condition. Last evaluated: 2024-03-13. Review status: no assertion criteria provided. Collection method: clinical testing. Allele origin: germline.
Comment: The CFAP418 c.232A>G variant is predicted to result in the amino acid substitution p.Lys78Glu. To our knowledge, this variant has not been reported in the literature. This variant is reported in 0.0023% of alleles in individuals of European (Non-Finnish) descent in gnomAD. At this time, the clinical significance of this variant is uncertain due to the absence of conclusive functional and genetic evidence.

NM_177965.4(CFAP418):c.232A>G (p.Lys78Glu)

Gene: CFAP418 (cilia and flagella associated protein 418; minus strand). Cytogenetic location: 8q22.1.
Variant type: single nucleotide variant.
Coding change: c.232A>G on transcript NM_177965.4 (MANE Select); coding-DNA position 232, A replaced by G.
Protein change: p.Lys78Glu; replaces lysine 78 with glutamic acid.
Molecular consequence: missense variant.
Genome position (GRCh38, 1-based): chr8:95,263,698, T>C on the plus strand (A>G on the coding strand, the complement: CFAP418 is on the minus strand). VCF-style: chr8-95263698-T-C. GRCh37 (hg19) VCF-style: chr8-96275926-T-C.
Other names: c.232A>G, p.Lys78Glu (NM_001363260.1); short protein forms K78E.
Identifiers: ClinVar variation 3352713 (VCV003352713.1).